The following is an entry in ClinVar:

ClinVar aggregate classification (germline): Uncertain significance (1 of 4 stars; one submission).

Conditions:
Fanconi anemia (FA). Also called: Fanconi's anemia. Identifiers: Orphanet 84, MedGen C0015625, MeSH D005199, MONDO:0019391.

Submission:

Labcorp Genetics (formerly Invitae), Labcorp
Classification: Uncertain significance for Fanconi anemia. Last evaluated: 2020-11-13. Review status: criteria provided, single submitter. Criteria: Invitae Variant Classification Sherloc (09022015). Collection method: clinical testing. Allele origin: germline.
Comment: This variant has not been reported in the literature in individuals with FANCM-related conditions. In summary, the available evidence is currently insufficient to determine the role of this variant in disease. Therefore, it has been classified as a Variant of Uncertain Significance. Algorithms developed to predict the effect of missense changes on protein structure and function are either unavailable or do not agree on the potential impact of this missense change (SIFT: "Deleterious"; PolyPhen-2: "Possibly Damaging"; Align-GVGD: "Class C0"). This variant is not present in population databases (ExAC no frequency). This sequence change replaces glutamic acid with glycine at codon 491 of the FANCM protein (p.Glu491Gly). The glutamic acid residue is highly conserved and there is a moderate physicochemical difference between glutamic acid and glycine.

NM_020937.4(FANCM):c.1472A>G (p.Glu491Gly)

Gene: FANCM (FA complementation group M; plus strand). Cytogenetic location: 14q21.2.
Variant type: single nucleotide variant.
Coding change: c.1472A>G on transcript NM_020937.4 (MANE Select); coding-DNA position 1472, A replaced by G.
Protein change: p.Glu491Gly; replaces glutamic acid 491 with glycine.
Molecular consequence: missense variant.
Genome position (GRCh38, 1-based): chr14:45,159,171, A>G. VCF-style: chr14-45159171-A-G. GRCh37 (hg19) VCF-style: chr14-45628374-A-G.
Other names: c.1394A>G, p.Glu465Gly (NM_001308133.2); c.1472A>G, p.Glu491Gly (NM_001308134.2); short protein forms E465G, E491G.
Identifiers: ClinVar variation 1391177 (VCV001391177.8), dbSNP rs2139186360, ClinGen allele CA389592519.